The following is an entry in ClinVar:

ClinVar aggregate classification (germline): Conflicting classifications of pathogenicity. Review status: criteria provided, conflicting classifications (1 of 4 stars). 4 submissions from 4 submitters: Uncertain significance (1); Likely benign (3). Last evaluated 2022-06-22.

Conditions:
Cardiovascular phenotype. Identifiers: MedGen CN230736.
Dilated cardiomyopathy 1G (CMD1G). Identifiers: Orphanet 154, MedGen C1858763, MONDO:0011400, OMIM 604145.
Autosomal recessive limb-girdle muscular dystrophy type 2J (LGMDR10). Also called: Limb-girdle muscular dystrophy, type 2J; MUSCULAR DYSTROPHY, LIMB-GIRDLE, AUTOSOMAL RECESSIVE 10. Identifiers: Orphanet 140922, MedGen C1837342, MONDO:0012127, OMIM 608807.

Submissions (4):

Ambry Genetics
Classification: Likely benign for Cardiovascular phenotype. Last evaluated: 2022-06-22. Review status: criteria provided, single submitter. Criteria: Ambry Variant Classification Scheme 2023. Collection method: clinical testing. Allele origin: germline.

GeneDx
Classification: Likely benign. Last evaluated: 2021-02-15. Review status: criteria provided, single submitter. Criteria: GeneDx Variant Classification Process June 2021. Collection method: clinical testing. Allele origin: germline. Affected: yes.

Labcorp Genetics (formerly Invitae), Labcorp
Classification: Uncertain significance for Dilated cardiomyopathy 1G; Autosomal recessive limb-girdle muscular dystrophy type 2J. Last evaluated: 2016-10-16. Review status: criteria provided, single submitter. Criteria: Invitae Variant Classification Sherloc (09022015). Collection method: clinical testing. Allele origin: germline.

Laboratory for Molecular Medicine, Mass General Brigham Personalized Medicine
Classification: Likely benign. Last evaluated: 2012-04-03. Review status: criteria provided, single submitter. Criteria: LMM Criteria. Collection method: clinical testing. Allele origin: germline. Observed: 1 variant allele.
Comment: Arg24284Cys in exon 275 of TTN: This variant results from a change affecting 2 b ases (either 72849C>T+72850C>T or 72849_72850delinsTT ? additional testing would clarify whether these are changes on the same of separate chromosomes). Both a re listed in dbSNP without frequency information (72849C>T, Phe24283Phe, rs18979 0119; 72850C>T, Arg24284Cys, rs185887755). This variant is not expected to have clinical significance due to a lack of conservation in mammals. Of note, gorilla and marmoset have a cysteine (Cys; this variant) at this position despite high nearby amino acid conservation. In addition, computational analyses (AlignGVGD, and SIFT) do not suggest a high likelihood of impact to the protein.

NC_000002.12:g.178565578_178565579delinsAA

Genes: TTN (titin; minus strand), TTN-AS1 (TTN antisense RNA 1; plus strand). Cytogenetic location: 2q31.2.
Variant type: Indel.
Molecular consequence: missense variant (on NM_001256850.1).
Genome position: GRCh38 VCF-style: chr2-178565578-GG-AA. GRCh37 (hg19) VCF-style: chr2-179430305-GG-AA.
Other names: c.75630_75631delCCinsTT (NM_001256850.1); c.53733_53734delinsTT, p.Arg17912Cys (NM_133432.3); c.53934_53935delinsTT, p.Arg17979Cys (NM_133437.4); c.80553_80554delCCinsTT (NM_001267550.2); c.53358_53359delCCinsTT (NM_003319.4); c.75630_75631delinsTT, p.Arg25211Cys (NM_001256850.1); c.80553_80554delinsTT, p.Arg26852Cys (NM_001267550.2); c.53358_53359delinsTT, p.Arg17787Cys (NM_003319.4); and 1 more; short protein forms R17912C, R17979C, R24284C, R17787C, R25211C, R26852C.
Identifiers: ClinVar variation 47387 (VCV000047387.10), dbSNP rs397517716, ClinGen allele CA140861.